The following is an entry in ClinVar:

NM_015378.4(VPS13D):c.12674A>G (p.Gln4225Arg)

Gene: VPS13D (vacuolar protein sorting 13 homolog D; plus strand). Cytogenetic location: 1p36.22.
Variant type: single nucleotide variant.
Coding change: c.12674A>G on transcript NM_015378.4 (MANE Select); coding-DNA position 12674, A replaced by G.
Protein change: p.Gln4225Arg; replaces glutamine 4225 with arginine.
Molecular consequence: missense variant.
Genome position (GRCh38, 1-based): chr1:12,497,511, A>G. VCF-style: chr1-12497511-A-G. GRCh37 (hg19) VCF-style: chr1-12557565-A-G.
Other names: c.12599A>G, p.Gln4200Arg (NM_018156.4); short protein forms Q4225R, Q4200R.
Identifiers: ClinVar variation 2113520 (VCV002113520.4), dbSNP rs2522255701, ClinGen allele CA338493311.
Genomic context (GRCh38, chr1:12,497,511, plus strand): 5'-TTAACCTGCACACTTAACCTCTTGGCTTTATGTCCATTTACCCATCTAGGACTCAAGCAC[A>G]GAGGGTTCGGAAACCGCGTTGCTGCACGGGGCCCCAGGGGCTGCTTCCCCGATATTCTGA-3'
Protein context (NP_056193.2, residues 4215-4235): ATLSGPRTQA[Gln4225Arg]RVRKPRCCTG

ClinVar aggregate classification (germline): Uncertain significance (1 of 4 stars; one submission).

Submission:

Labcorp Genetics (formerly Invitae), Labcorp
Classification: Uncertain significance. Last evaluated: 2022-03-18. Review status: criteria provided, single submitter. Criteria: Invitae Variant Classification Sherloc (09022015). Collection method: clinical testing. Allele origin: germline.
Comment: Algorithms developed to predict the effect of missense changes on protein structure and function are either unavailable or do not agree on the potential impact of this missense change (SIFT: "Not Available"; PolyPhen-2: "Possibly Damaging"; Align-GVGD: "Not Available"). This sequence change replaces glutamine, which is neutral and polar, with arginine, which is basic and polar, at codon 4225 of the VPS13D protein (p.Gln4225Arg). This variant is not present in population databases (gnomAD no frequency). This variant has not been reported in the literature in individuals affected with VPS13D-related conditions. In summary, the available evidence is currently insufficient to determine the role of this variant in disease. Therefore, it has been classified as a Variant of Uncertain Significance.